The following is an entry in ClinVar:

ClinVar aggregate classification (germline): Likely benign. Review status: criteria provided, multiple submitters, no conflicts (2 of 4 stars). 3 submissions from 3 submitters: Likely benign (3). Last evaluated 2026-01-24.

Conditions:
TRAPPC9-related disorder. Also called: TRAPPC9-related condition.

Allele frequency attached by ClinVar (database versions not stated): ExAC 0.00002; TOPMed 0.00004; gnomAD 0.00005.
gnomAD v4.1: 118 of 1,613,934 alleles (0.0073%); highest among the groups gnomAD compares: Non-Finnish European, 0.0088%; no homozygotes.

Submissions (4):

Labcorp Genetics (formerly Invitae), Labcorp
Classification: Likely benign. Last evaluated: 2026-01-24. Review status: criteria provided, single submitter. Criteria: Invitae Variant Classification Sherloc (09022015). Collection method: clinical testing. Allele origin: germline.

PreventionGenetics, part of Exact Sciences
Classification: Likely benign for TRAPPC9-related condition. Last evaluated: 2025-05-28. Review status: criteria provided, single submitter. Criteria: ACMG Guidelines, 2015. Collection method: clinical testing. Allele origin: germline.
Comment: This variant is classified as likely benign based on ACMG/AMP sequence variant interpretation guidelines (Richards et al. 2015 PMID: 25741868, with internal and published modifications).

Women's Health and Genetics/Laboratory Corporation of America, LabCorp
Classification: Likely benign. Last evaluated: 2024-09-11. Review status: criteria provided, single submitter. Criteria: LabCorp Variant Classification Summary - May 2015. Collection method: clinical testing. Allele origin: germline.

Dr. Peter K. Rogan Lab, Western University
No classification provided (evidence only). Condition: Uterine corpus endometrial carcinoma. Review status: no classification provided. Collection method: in vitro. Allele origin: not applicable. Functional consequence: skipped exon. Not counted in ClinVar's aggregate classification.

NM_001160372.4(TRAPPC9):c.1488G>A (p.Ser496=)

Gene: TRAPPC9 (trafficking protein particle complex subunit 9; minus strand). Cytogenetic location: 8q24.3.
Variant type: single nucleotide variant.
Coding change: c.1488G>A on transcript NM_001160372.4 (MANE Select); coding-DNA position 1488, G replaced by A.
Protein change: p.Ser496=; no amino-acid change (serine 496 retained).
Molecular consequence: synonymous variant. On other transcripts: non-coding transcript variant (1), intron variant (1).
Genome position (GRCh38, 1-based): chr8:140,360,057, C>T on the plus strand (G>A on the coding strand, the complement: TRAPPC9 is on the minus strand). VCF-style: chr8-140360057-C-T. GRCh37 (hg19) VCF-style: chr8-141370156-C-T.
Other names: c.1461G>A, p.Ser487= (NM_001321646.2); c.1509G>A, p.Ser503= (NM_001374682.1); c.1488G>A, p.Ser496= (NM_001374683.1, NM_031466.8); c.1351+10907G>A (NM_001374684.1); c.1782G>A (NM_031466.7).
Identifiers: ClinVar variation 2172483 (VCV002172483.7), dbSNP rs201180771, ClinGen allele CA4893450.